The following is an entry in ClinVar:

NM_016292.3(TRAP1):c.1103G>A (p.Arg368His)

Gene: TRAP1 (TNF receptor associated protein 1; minus strand). Cytogenetic location: 16p13.3.
Variant type: single nucleotide variant.
Coding change: c.1103G>A on transcript NM_016292.3 (MANE Select); coding-DNA position 1103, G replaced by A.
Protein change: p.Arg368His; replaces arginine 368 with histidine.
Molecular consequence: missense variant.
Genome position (GRCh38, 1-based): chr16:3,672,762, C>T on the plus strand (G>A on the coding strand, the complement: TRAP1 is on the minus strand). VCF-style: chr16-3672762-C-T. GRCh37 (hg19) VCF-style: chr16-3722763-C-T.
Other names: c.944G>A, p.Arg315His (NM_001272049.2); short protein forms R315H, R368H.
Identifiers: ClinVar variation 4811374 (VCV004811374.1).
Genomic context (GRCh38, chr16:3,672,762, plus strand): 5'-CGGATGAAGCGCAGCCACTTGGGCAGGATGTCCGTGGCCTTGGTCTGGATGAGGACTTTG[C>T]GGCTGTACAGTGCAACGCTGGAGCCCAGCTCCCGGCTCACATCAAACATGGACGGTTTCT-3'
Protein context (NP_057376.2, residues 358-378): ELGSSVALYS[Arg368His]KVLIQTKATD

ClinVar aggregate classification (germline): Uncertain significance (1 of 4 stars; one submission).

gnomAD v4.1: 74 of 1,611,120 alleles (0.0046%); highest among the groups gnomAD compares: Admixed American, 0.094%; no homozygotes.

Submission:

Labcorp Genetics (formerly Invitae), Labcorp
Classification: Uncertain significance. Last evaluated: 2025-06-09. Review status: criteria provided, single submitter. Criteria: Invitae Variant Classification Sherloc (09022015). Collection method: clinical testing. Allele origin: germline.
Comment: This sequence change replaces arginine, which is basic and polar, with histidine, which is basic and polar, at codon 368 of the TRAP1 protein (p.Arg368His). This variant is present in population databases (rs375364304, gnomAD 0.2%), and has an allele count higher than expected for a pathogenic variant. This variant has not been reported in the literature in individuals affected with TRAP1-related conditions. Invitae Evidence Modeling of protein sequence and biophysical properties (such as structural, functional, and spatial information, amino acid conservation, physicochemical variation, residue mobility, and thermodynamic stability) has been performed for this missense variant. However, the output from this modeling did not meet the statistical confidence thresholds required to predict the impact of this variant on TRAP1 protein function. In summary, the available evidence is currently insufficient to determine the role of this variant in disease. Therefore, it has been classified as a Variant of Uncertain Significance.